The following is an entry in ClinVar:

NM_005534.4(IFNGR2):c.48CGC[4] (p.Ala22del)

Genes: IFNGR2 (interferon gamma receptor 2; plus strand), LOC119266102 (IFNGR2 promoter region; plus strand). Cytogenetic location: 21q22.11.
Variant type: Microsatellite.
Coding change: c.48CGC[4] on transcript NM_005534.4 (MANE Select); four copies in a row of the 3-base unit CGC starting at c.48; the reference has five copies in a row; one copy, 3 bases deleted.
Protein change: p.Ala22del; deletes alanine 22.
Molecular consequence: inframe deletion. On other transcripts: inframe indel (2).
Genome position (GRCh38, 1-based): chr21:33,403,603-33,403,605, CGC deleted; deleting any 3 consecutive bases within chr21:33,403,591-33,403,605 gives the same sequence; the position shown is the placement nearest the transcript's 3' end. VCF-style (leftmost placement, unchanged base first): chr21-33403590-TCGC-T. GRCh37 (hg19) VCF-style: chr21-34775896-TCGC-T.
Other names: c.48CGC[4], p.Ala22del (NM_001329128.2); c.48_50CGC[4], p.Ala22del (NM_005534.3); c.60_62delCGC (NM_005534.3); short protein forms A22del.
Identifiers: ClinVar variation 3350397 (VCV003350397.2).

ClinVar aggregate classification (germline): Likely benign. Review status: criteria provided, single submitter (1 of 4 stars). 2 submissions from 2 submitters: Likely benign (1). 1 of the submissions does not count toward it. Last evaluated 2024-11-28.

Conditions:
IFNGR2-related disorder. Also called: IFNGR2-related condition.

Submissions (2):

Blueprint Genetics
Classification: Likely benign. Last evaluated: 2024-11-28. Review status: criteria provided, single submitter. Criteria: ACMG Guidelines, 2015. Collection method: clinical testing. Allele origin: germline.

PreventionGenetics, part of Exact Sciences
Classification: Likely benign for IFNGR2-related condition. Last evaluated: 2024-07-15. Review status: no assertion criteria provided. Collection method: clinical testing. Allele origin: germline. Not counted in ClinVar's aggregate classification.
Comment: This variant is classified as likely benign based on ACMG/AMP sequence variant interpretation guidelines (Richards et al. 2015 PMID: 25741868, with internal and published modifications).